The following is an entry in ClinVar:

ClinVar aggregate classification (germline): Uncertain significance (1 of 4 stars; one submission).

Conditions:
Hajdu-Cheney syndrome (HJCYS). Also called: ACROOSTEOLYSIS WITH OSTEOPOROSIS AND CHANGES IN SKULL AND MANDIBLE; SERPENTINE FIBULA-POLYCYSTIC KIDNEY SYNDROME; Acroosteolysis dominant type. Identifiers: Orphanet 955, MedGen C0917715, MONDO:0007057, OMIM 102500.

Submission:

Labcorp Genetics (formerly Invitae), Labcorp
Classification: Uncertain significance for Hajdu-Cheney syndrome. Last evaluated: 2025-09-09. Review status: criteria provided, single submitter. Criteria: Invitae Variant Classification Sherloc (09022015). Collection method: clinical testing. Allele origin: germline.
Comment: This variant, c.1882_1893dup, results in the insertion of 4 amino acid(s) of the NOTCH2 protein (p.Gly628_Cys631dup), but otherwise preserves the integrity of the reading frame. This variant is not present in population databases (gnomAD no frequency). This variant has not been reported in the literature in individuals affected with NOTCH2-related conditions. In summary, the available evidence is currently insufficient to determine the role of this variant in disease. Therefore, it has been classified as a Variant of Uncertain Significance.

NM_024408.4(NOTCH2):c.1882_1893dup (p.Cys631_Asn632insGlyTyrGlnCys)

Gene: NOTCH2 (notch receptor 2; minus strand). Cytogenetic location: 1p12.
Variant type: Duplication.
Coding change: c.1882_1893dup on transcript NM_024408.4 (MANE Select); coding-DNA positions 1882 to 1893, 12 bases duplicated (GGCTACCAGTGC).
Protein change: p.Cys631_Asn632insGlyTyrGlnCys.
Molecular consequence: inframe insertion.
Genome position (GRCh38, 1-based): chr1:119,963,596-119,963,607, GCACTGGTAGCC duplicated on the plus strand (GGCTACCAGTGC on the coding strand, the reverse complement: NOTCH2 is on the minus strand). VCF-style (leftmost placement, unchanged base first): chr1-119963595-T-TGCACTGGTAGCC. GRCh37 (hg19) VCF-style: chr1-120506218-T-TGCACTGGTAGCC.
Other names: c.1882_1893dup, p.Cys631_Asn632insGlyTyrGlnCys (NM_001200001.2).
Identifiers: ClinVar variation 4726562 (VCV004726562.1).
Genomic context (GRCh38, chr1:119,963,595, plus strand): 5'-GTGAAAACCCCATACCAAACATAAACAGAGTGGGCTTACCTGACGTGCCTGGCTGGCAGT[T>TGCACTGGTAGCC]GCACTGGTAGCCATTGACCAGGTCAATGCAGCGACCATCGTTCAGGCAAGGGCTGCTGTA-3'